The following is an entry in ClinVar:

ClinVar aggregate classification (germline): Conflicting classifications of pathogenicity. Review status: criteria provided, conflicting classifications (1 of 4 stars). 7 submissions from 7 submitters: Uncertain significance (4); Likely benign (3). Last evaluated 2025-11-10.

Conditions:
Tuberous sclerosis 1 (TSC1). Identifiers: Orphanet 805, MedGen C1854465, MONDO:0008612, OMIM 191100.
Hereditary cancer-predisposing syndrome. Also called: Neoplastic Syndromes, Hereditary; Tumor predisposition; Hereditary Cancer Syndrome; Hereditary neoplastic syndrome. Identifiers: Orphanet 140162, MedGen C0027672, MeSH D009386, MONDO:0015356.
Tuberous sclerosis syndrome (TSC). Also called: Tuberous Sclerosis Complex; Tuberous sclerosis. Identifiers: Orphanet 805, MedGen C0041341, MONDO:0001734.

Allele frequency attached by ClinVar (database versions not stated): gnomAD 0.00001; gnomAD exomes 0.00001 and 0.00002; ExAC 0.00002; TOPMed 0.00002.
gnomAD v4.1: 19 of 1,614,096 alleles (0.0012%); highest among the groups gnomAD compares: Non-Finnish European, 0.00093%; 1 homozygote.

Submissions (7):

Labcorp Genetics (formerly Invitae), Labcorp
Classification: Likely benign for Tuberous sclerosis 1. Last evaluated: 2025-11-10. Review status: criteria provided, single submitter. Criteria: Invitae Variant Classification Sherloc (09022015). Collection method: clinical testing. Allele origin: germline.

Ambry Genetics
Classification: Uncertain significance for Hereditary cancer-predisposing syndrome. Last evaluated: 2025-08-23. Review status: criteria provided, single submitter. Criteria: Ambry Variant Classification Scheme 2023. Collection method: clinical testing. Allele origin: germline.

All of Us Research Program, National Institutes of Health
Classification: Uncertain significance for Tuberous sclerosis syndrome. Last evaluated: 2024-09-23. Review status: criteria provided, single submitter. Criteria: ACMG Guidelines, 2015. Collection method: clinical testing. Allele origin: germline. Inheritance: Autosomal dominant inheritance. Observed: 8 variant alleles, 8 heterozygotes.
Comment: This missense variant replaces proline with serine at codon 111 of the TSC1 protein. Computational prediction suggests that this variant may have deleterious impact on protein structure and function (internally defined REVEL score threshold >= 0.7, PMID: 27666373). To our knowledge, functional studies have not been reported for this variant. This variant has not been reported in individuals affected with TSC1-related disorders in the literature. This variant has been identified in 4/251326 chromosomes in the general population by the Genome Aggregation Database (gnomAD). The available evidence is insufficient to determine the role of this variant in disease conclusively. Therefore, this variant is classified as a Variant of Uncertain Significance.

This study involves interpretation of variants in research participants for the purpose of population health screening. Participant phenotype was not available at the time of variant classification. Additional details can be found in publication PMID: 35346344, PMCID: PMC8962531

Color Diagnostics, LLC DBA Color Health
Classification: Uncertain significance for Tuberous sclerosis syndrome. Last evaluated: 2024-03-06. Review status: criteria provided, single submitter. Criteria: ACMG Guidelines, 2015. Collection method: clinical testing. Allele origin: germline.
Comment: This missense variant replaces proline with serine at codon 111 of the TSC1 protein. Computational prediction suggests that this variant may have deleterious impact on protein structure and function. To our knowledge, functional studies have not been reported for this variant. This variant has not been reported in individuals affected with TSC1-related disorders in the literature. This variant has been identified in 4/251326 chromosomes in the general population by the Genome Aggregation Database (gnomAD). The available evidence is insufficient to determine the role of this variant in disease conclusively. Therefore, this variant is classified as a Variant of Uncertain Significance.

Sema4
Classification: Uncertain significance for Hereditary cancer-predisposing syndrome. Last evaluated: 2022-02-22. Review status: criteria provided, single submitter. Criteria: Sema4 Curation Guidelines. Collection method: curation. Allele origin: germline.
Comment: The TSC1 c.331C>T (p.P111S) variant has not been reported in the literature to our knowledge. This variant was observed in 4/113620 chromosomes in the European (non-Finnish) population according to the Genome Aggregation Database (PMID: 32461654), and has been reported in ClinVar (Variation ID 566727). In silico tools suggest the impact of the variant on protein function is deleterious, though these predictions have not been confirmed by functional studies. The evidence is insufficient to meet ACMG/AMP criteria for classifying the variant as benign or pathogenic. Thus, the clinical significance of this variant is currently uncertain.

Genome-Nilou Lab
Classification: Likely benign for Tuberous sclerosis 1. Last evaluated: 2021-11-07. Review status: criteria provided, single submitter. Criteria: ACMG Guidelines, 2015. Collection method: clinical testing. Allele origin: germline. Affected: no.

GeneDx
Classification: Likely benign. Last evaluated: 2020-09-08. Review status: criteria provided, single submitter. Criteria: GeneDx Variant Classification Process June 2021. Collection method: clinical testing. Allele origin: germline. Affected: yes.

NM_000368.5(TSC1):c.331C>T (p.Pro111Ser)

Gene: TSC1 (TSC complex subunit 1; minus strand). Cytogenetic location: 9q34.13.
Variant type: single nucleotide variant.
Coding change: c.331C>T on transcript NM_000368.5 (MANE Select); coding-DNA position 331, C replaced by T.
Protein change: p.Pro111Ser; replaces proline 111 with serine.
Molecular consequence: missense variant. On other transcripts: 5 prime UTR variant (1), intron variant (1).
Genome position (GRCh38, 1-based): chr9:132,925,619, G>A on the plus strand (C>T on the coding strand, the complement: TSC1 is on the minus strand). VCF-style: chr9-132925619-G-A. GRCh37 (hg19) VCF-style: chr9-135801006-G-A.
Other names: c.331C>T, p.Pro111Ser (NM_001162426.2); c.-33C>T (NM_001362177.2); c.210+1582C>T (NM_001162427.2); short protein forms P111S.
Identifiers: ClinVar variation 566727 (VCV000566727.24), dbSNP rs748669519, ClinGen allele CA036438.